The following is an entry in ClinVar:

ClinVar aggregate classification (germline): Likely pathogenic (1 of 4 stars; one submission).

Conditions:
Autosomal recessive polycystic kidney disease (ARPKD). Also called: AR polycystic kidney disease. Identifiers: Orphanet 731, Orphanet 8378, MedGen C0085548, MeSH D017044, MONDO:0009889.

Submission:

Natera, Inc.
Classification: Likely pathogenic for Autosomal recessive polycystic kidney disease. Last evaluated: 2025-02-24. Review status: criteria provided, single submitter. Criteria: Natera Variant Classification Schema (03/2026). Collection method: clinical testing. Allele origin: germline.
Comment: The c.1047del variant in PKHD1 is a frameshift variant predicted to shift the reading frame beginning at codon 350 and leads to a stop codon 63 codons downstream. This variant is expected to result in nonsense mediated decay, truncation, or a dysfunctional protein product. This variant is rare in the general population with a frequency below the threshold expected for the associated phenotype(s). Given the available evidence, this variant is classified as Likely Pathogenic.

NM_138694.4(PKHD1):c.1047del (p.Tyr350fs)

Gene: PKHD1 (PKHD1 ciliary IPT domain containing fibrocystin/polyductin; minus strand). Cytogenetic location: 6p12.2.
Variant type: Deletion.
Coding change: c.1047del on transcript NM_138694.4 (MANE Select); coding-DNA position 1047, one base deleted (G; older notation c.1047delG).
Protein change: p.Tyr350fs; shifts the reading frame from tyrosine 350.
Molecular consequence: frameshift variant.
Genome position (GRCh38, 1-based): chr6:52,062,590, C deleted on the plus strand (G on the coding strand, the reverse complement: PKHD1 is on the minus strand); the first of 3 consecutive C bases (chr6:52,062,590-52,062,592); deleting any one gives the same sequence. VCF-style (leftmost placement, unchanged base first): chr6-52062589-AC-A. GRCh37 (hg19) VCF-style: chr6-51927387-AC-A.
Other names: c.1047del, p.Tyr350fs (NM_170724.3); short protein forms Y350fs.
Identifiers: ClinVar variation 4060219 (VCV004060219.2).